The following is an entry in ClinVar:

NM_001171.6(ABCC6):c.3315T>G (p.Tyr1105Ter)

Gene: ABCC6 (ATP binding cassette subfamily C member 6; minus strand). Cytogenetic location: 16p13.11.
Variant type: single nucleotide variant.
Coding change: c.3315T>G on transcript NM_001171.6 (MANE Select); coding-DNA position 3315, T replaced by G.
Protein change: p.Tyr1105Ter; replaces tyrosine 1105 with a stop codon.
Molecular consequence: nonsense.
Genome position (GRCh38, 1-based): chr16:16,163,184, A>C on the plus strand (T>G on the coding strand, the complement: ABCC6 is on the minus strand). VCF-style: chr16-16163184-A-C. GRCh37 (hg19) VCF-style: chr16-16257041-A-C.
Other names: c.2973T>G, p.Tyr991Ter (NM_001351800.1); short protein forms Y1105*, Y991*.
Identifiers: ClinVar variation 1458858 (VCV001458858.6), dbSNP rs1268592638, ClinGen allele CA394881694.
Genomic context (GRCh38, chr16:16,163,184, plus strand): 5'-GGAGCAGACAGACGAGTAGCTGGCTGACTCCAAGCGTCTCAGCTGGCATGAGCTAACCAC[A>C]TACAGGCTCTGAGAAGGATGGATGGGAGAGGGAAGAGGAGAAGCCACAGACATAGAGAGG-3'

ClinVar aggregate classification (germline): Pathogenic (1 of 4 stars; one submission).

Submission:

Labcorp Genetics (formerly Invitae), Labcorp
Classification: Pathogenic. Last evaluated: 2023-06-24. Review status: criteria provided, single submitter. Criteria: Invitae Variant Classification Sherloc (09022015). Collection method: clinical testing. Allele origin: germline.
Comment: This sequence change creates a premature translational stop signal (p.Tyr1105*) in the ABCC6 gene. It is expected to result in an absent or disrupted protein product. Loss-of-function variants in ABCC6 are known to be pathogenic (PMID: 11536079, 17617515). This variant is not present in population databases (gnomAD no frequency). This variant has not been reported in the literature in individuals affected with ABCC6-related conditions. For these reasons, this variant has been classified as Pathogenic. Algorithms developed to predict the effect of sequence changes on RNA splicing suggest that this variant may disrupt the consensus splice site. ClinVar contains an entry for this variant (Variation ID: 1458858).

Literature cited by the submitters: PubMed 11536079; PubMed 17617515.